The following is an entry in ClinVar:

NM_001172509.2(SATB2):c.898C>T (p.Pro300Ser)

Gene: SATB2 (SATB homeobox 2; minus strand). Cytogenetic location: 2q33.1.
Variant type: single nucleotide variant.
Coding change: c.898C>T on transcript NM_001172509.2 (MANE Select); coding-DNA position 898, C replaced by T.
Protein change: p.Pro300Ser; replaces proline 300 with serine.
Molecular consequence: missense variant.
Genome position (GRCh38, 1-based): chr2:199,348,976, G>A on the plus strand (C>T on the coding strand, the complement: SATB2 is on the minus strand). VCF-style: chr2-199348976-G-A. GRCh37 (hg19) VCF-style: chr2-200213699-G-A.
Other names: c.898C>T, p.Pro300Ser (NM_001172517.1, NM_015265.4); short protein forms P300S.
Identifiers: ClinVar variation 3631234 (VCV003631234.2).

ClinVar aggregate classification (germline): Uncertain significance (1 of 4 stars; one submission).

Conditions:
Chromosome 2q32-q33 deletion syndrome (GLASS). Also called: 2q33.1 deletion syndrome; Glass syndrome. Identifiers: Orphanet 251019, MedGen C2676739, MONDO:0012864, OMIM 612313.

gnomAD v4.1: 1 of 1,614,152 alleles (0.000062%); highest among the groups gnomAD compares: East Asian, 0.0022%; no homozygotes.

Submission:

Labcorp Genetics (formerly Invitae), Labcorp
Classification: Uncertain significance for Chromosome 2q32-q33 deletion syndrome. Last evaluated: 2024-09-17. Review status: criteria provided, single submitter. Criteria: Invitae Variant Classification Sherloc (09022015). Collection method: clinical testing. Allele origin: germline.
Comment: This sequence change replaces proline, which is neutral and non-polar, with serine, which is neutral and polar, at codon 300 of the SATB2 protein (p.Pro300Ser). This variant is not present in population databases (gnomAD no frequency). This variant has not been reported in the literature in individuals affected with SATB2-related conditions. Invitae Evidence Modeling of protein sequence and biophysical properties (such as structural, functional, and spatial information, amino acid conservation, physicochemical variation, residue mobility, and thermodynamic stability) indicates that this missense variant is not expected to disrupt SATB2 protein function with a negative predictive value of 80%. In summary, the available evidence is currently insufficient to determine the role of this variant in disease. Therefore, it has been classified as a Variant of Uncertain Significance.